The following is an entry in ClinVar:

NM_000465.4(BARD1):c.2111G>A (p.Ser704Asn)

Gene: BARD1 (BRCA1 associated RING domain 1; minus strand). Cytogenetic location: 2q35.
Variant type: single nucleotide variant.
Coding change: c.2111G>A on transcript NM_000465.4 (MANE Select); coding-DNA position 2111, G replaced by A.
Protein change: p.Ser704Asn; replaces serine 704 with asparagine.
Molecular consequence: missense variant. On other transcripts: non-coding transcript variant (3).
Genome position (GRCh38, 1-based): chr2:214,728,899, C>T on the plus strand (G>A on the coding strand, the complement: BARD1 is on the minus strand). VCF-style: chr2-214728899-C-T. GRCh37 (hg19) VCF-style: chr2-215593623-C-T.
Other names: c.2054G>A, p.Ser685Asn (NM_001282543.2); c.758G>A, p.Ser253Asn (NM_001282545.2); c.701G>A, p.Ser234Asn (NM_001282548.2); c.572G>A, p.Ser191Asn (NM_001282549.2); short protein forms S704N, S191N, S253N, S685N, S234N.
Identifiers: ClinVar variation 460737 (VCV000460737.12), dbSNP rs764477334, ClinGen allele CA2090077.
Genomic context (GRCh38, chr2:214,728,899, plus strand): 5'-GCATGGTATGCGACTGTATTGATGGTCTGAGTCACGTCACTGTCTGGCTTGGGCTTTCTA[C>T]TGAGGATCTGGCCCCCACCTGCAGTGACGAGCTTAATAAGGTTGTCCTTTGGATGGTGTT-3'
Protein context (NP_000456.2, residues 694-714): LVTAGGGQIL[Ser704Asn]RKPKPDSDVT

ClinVar aggregate classification (germline): Conflicting classifications of pathogenicity. Review status: criteria provided, conflicting classifications (1 of 4 stars). 3 submissions from 3 submitters: Uncertain significance (2); Likely benign (1). Last evaluated 2025-02-19.

Conditions:
BARD1-related cancer predisposition. Identifiers: MedGen CN377756, MONDO:0700267.
Hereditary cancer-predisposing syndrome. Also called: Neoplastic Syndromes, Hereditary; Tumor predisposition; Hereditary Cancer Syndrome; Hereditary neoplastic syndrome. Identifiers: Orphanet 140162, MedGen C0027672, MeSH D009386, MONDO:0015356.
Familial cancer of breast. Also called: BREAST CANCER, FAMILIAL; hereditary breast carcinoma; Hereditary breast cancer. Identifiers: Orphanet 227535, MedGen C0346153, MONDO:0016419, OMIM 114480. Disease mechanism: loss of function.

Allele frequency attached by ClinVar (database versions not stated): gnomAD exomes below 0.00001; ExAC 0.00001.
gnomAD v4.1: 3 of 1,614,208 alleles (0.00019%); highest among the groups gnomAD compares: Non-Finnish European, 0.00025%; no homozygotes.

Submissions (3):

Department of Pathology and Laboratory Medicine, Sinai Health System
Classification: Uncertain significance for BARD1-related cancer predisposition. Last evaluated: 2025-02-19. Review status: criteria provided, single submitter. Criteria: ACMG Guidelines, 2015. Collection method: clinical testing. Allele origin: germline.

Ambry Genetics
Classification: Likely benign for Hereditary cancer-predisposing syndrome. Last evaluated: 2024-06-11. Review status: criteria provided, single submitter. Criteria: Ambry Variant Classification Scheme 2023. Collection method: clinical testing. Allele origin: germline.

Labcorp Genetics (formerly Invitae), Labcorp
Classification: Uncertain significance for Familial cancer of breast. Last evaluated: 2021-09-04. Review status: criteria provided, single submitter. Criteria: Invitae Variant Classification Sherloc (09022015). Collection method: clinical testing. Allele origin: germline.
Comment: This variant is present in population databases (rs764477334, ExAC 0.002%). In summary, the available evidence is currently insufficient to determine the role of this variant in disease. Therefore, it has been classified as a Variant of Uncertain Significance. Algorithms developed to predict the effect of missense changes on protein structure and function output the following: SIFT: "Deleterious"; PolyPhen-2: "Benign"; Align-GVGD: "Class C0". The asparagine amino acid residue is found in multiple mammalian species, which suggests that this missense change does not adversely affect protein function. This variant has not been reported in the literature in individuals affected with BARD1-related conditions. This sequence change replaces serine with asparagine at codon 704 of the BARD1 protein (p.Ser704Asn). The serine residue is moderately conserved and there is a small physicochemical difference between serine and asparagine.